The following is an entry in ClinVar:

NM_001122630.2(CDKN1C):c.775C>T (p.Pro259Ser)

Gene: CDKN1C (cyclin dependent kinase inhibitor 1C; minus strand). Cytogenetic location: 11p15.4.
Variant type: single nucleotide variant.
Coding change: c.775C>T on transcript NM_001122630.2 (MANE Select); coding-DNA position 775, C replaced by T.
Protein change: p.Pro259Ser; replaces proline 259 with serine.
Molecular consequence: missense variant. On other transcripts: intron variant (1).
Genome position (GRCh38, 1-based): chr11:2,884,682, G>A on the plus strand (C>T on the coding strand, the complement: CDKN1C is on the minus strand). VCF-style: chr11-2884682-G-A. GRCh37 (hg19) VCF-style: chr11-2905912-G-A.
Other names: c.808C>T, p.Pro270Ser (LRG_533t1, NM_000076.2, NM_001362474.2); c.775C>T, p.Pro259Ser (NM_001122631.2); c.255+520C>T (NM_001362475.2); short protein forms P259S, P270S.
Identifiers: ClinVar variation 648274 (VCV000648274.10), dbSNP rs1416211722, ClinGen allele CA379145536.
Genomic context (GRCh38, chr11:2,884,682, plus strand): 5'-GACAAAGCGGGGCCGGGCCGGGCCGGGGCGGGGCCGTGCGGGGCTCACCGGAGATCAGAG[G>A]CCCGGACAGCTTCTTGATCGCCGCGCCGTTGGCGCTGGCGGCCGCGGTGCCGGCCGCGGG-3'
Protein context (NP_001116102.1, residues 249-269): NGAAIKKLSG[Pro259Ser]LISDFFAKRK

ClinVar aggregate classification (germline): Uncertain significance (1 of 4 stars; one submission).

Conditions:
Beckwith-Wiedemann syndrome (BWS). Also called: Exomphalos macroglossia gigantism syndrome; EMG SYNDROME. Identifiers: Orphanet 116, MedGen C0004903, MONDO:0007534, OMIM 130650.

Allele frequency attached by ClinVar (database versions not stated): TOPMed below 0.00001.
gnomAD v4.1: 6 of 1,457,484 alleles (0.00041%); highest among the groups gnomAD compares: Non-Finnish European, 0.00054%; no homozygotes.

Submission:

Labcorp Genetics (formerly Invitae), Labcorp
Classification: Uncertain significance for Beckwith-Wiedemann syndrome. Last evaluated: 2022-12-16. Review status: criteria provided, single submitter. Criteria: Invitae Variant Classification Sherloc (09022015). Collection method: clinical testing. Allele origin: germline.
Comment: Advanced modeling of protein sequence and biophysical properties (such as structural, functional, and spatial information, amino acid conservation, physicochemical variation, residue mobility, and thermodynamic stability) performed at Invitae indicates that this missense variant is not expected to disrupt CDKN1C protein function. In summary, the available evidence is currently insufficient to determine the role of this variant in disease. Therefore, it has been classified as a Variant of Uncertain Significance. ClinVar contains an entry for this variant (Variation ID: 648274). This sequence change replaces proline, which is neutral and non-polar, with serine, which is neutral and polar, at codon 270 of the CDKN1C protein (p.Pro270Ser). This variant is not present in population databases (gnomAD no frequency). This variant has not been reported in the literature in individuals affected with CDKN1C-related conditions.